The following is an entry in ClinVar:

ClinVar aggregate classification (germline): Benign/Likely benign. Review status: criteria provided, multiple submitters, no conflicts (2 of 4 stars). 5 submissions from 5 submitters: Benign (2); Likely benign (3). Last evaluated 2026-02-01.

Conditions:
Hypertrophic cardiomyopathy 26. Also called: Cardiomyopathy, familial hypertrophic, 26. Identifiers: Orphanet 75249, MedGen C4310749, MONDO:0014883, OMIM 617047.
Myofibrillar myopathy 5. Also called: Filaminopathy (type); FILAMINOPATHY, AUTOSOMAL DOMINANT. Identifiers: Orphanet 171445, MedGen C1836050, MONDO:0012289, OMIM 609524.
Distal myopathy with posterior leg and anterior hand involvement. Also called: WILLIAMS DISTAL MYOPATHY. Identifiers: Orphanet 63273, MedGen C3279722, MONDO:0013550, OMIM 614065.
Cardiovascular phenotype. Identifiers: MedGen CN230736.

Allele frequency attached by ClinVar (database versions not stated): gnomAD 0.00001 and 0.00022; TOPMed 0.00007; ESP Exome Variant Server 0.00024; gnomAD exomes 0.00032 and 0.00058; ExAC 0.00067; 1000 Genomes Project 0.00080; 1000 Genomes Project 30x 0.00094.
gnomAD v4.1: 502 of 1,614,004 alleles (0.031%); highest among the groups gnomAD compares: South Asian, 0.44%; 4 homozygotes.

Submissions (5):

CeGaT Center for Human Genetics Tuebingen
Classification: Likely benign. Last evaluated: 2026-02-01. Review status: criteria provided, single submitter. Criteria: CeGaT Center For Human Genetics Tuebingen Variant Classification Criteria Version 2. Collection method: clinical testing. Allele origin: germline. Affected: yes. Observed: 2 variant alleles.
Comment: FLNC: BP4, BP7

Labcorp Genetics (formerly Invitae), Labcorp
Classification: Benign for Distal myopathy with posterior leg and anterior hand involvement; Myofibrillar myopathy 5; Hypertrophic cardiomyopathy 26. Last evaluated: 2026-01-25. Review status: criteria provided, single submitter. Criteria: Invitae Variant Classification Sherloc (09022015). Collection method: clinical testing. Allele origin: germline.

Mayo Clinic Laboratories, Mayo Clinic
Classification: Benign. Last evaluated: 2024-12-30. Review status: criteria provided, single submitter. Criteria: ACMG Guidelines, 2015. Collection method: clinical testing. Allele origin: germline. Observed: 1 variant allele.
Comment: BS1, BS2, BP4, BP7

Blueprint Genetics
Classification: Likely benign. Last evaluated: 2024-09-24. Review status: criteria provided, single submitter. Criteria: ACMG Guidelines, 2015. Collection method: clinical testing. Allele origin: germline.

Ambry Genetics
Classification: Likely benign for Cardiovascular phenotype. Last evaluated: 2019-09-06. Review status: criteria provided, single submitter. Criteria: Ambry Variant Classification Scheme 2023. Collection method: clinical testing. Allele origin: germline.

NM_001458.5(FLNC):c.1518C>T (p.Ser506=)

Gene: FLNC (filamin C; plus strand). Cytogenetic location: 7q32.1.
Variant type: single nucleotide variant.
Coding change: c.1518C>T on transcript NM_001458.5 (MANE Select); coding-DNA position 1518, C replaced by T.
Protein change: p.Ser506=; no amino-acid change (serine 506 retained).
Molecular consequence: synonymous variant.
Genome position (GRCh38, 1-based): chr7:128,840,129, C>T. VCF-style: chr7-128840129-C-T. GRCh37 (hg19) VCF-style: chr7-128480183-C-T.
Other names: p.Ser506=; c.1518C>T, p.Ser506= (NM_001127487.2).
Identifiers: ClinVar variation 471979 (VCV000471979.23), dbSNP rs368101036, ClinGen allele CA4474367.